The following is an entry in ClinVar:

NM_003922.4(HERC1):c.2711G>T (p.Gly904Val)

Gene: HERC1 (HECT and RLD domain containing E3 ubiquitin protein ligase family member 1; minus strand). Cytogenetic location: 15q22.31.
Variant type: single nucleotide variant.
Coding change: c.2711G>T on transcript NM_003922.4 (MANE Select); coding-DNA position 2711, G replaced by T.
Protein change: p.Gly904Val; replaces glycine 904 with valine.
Molecular consequence: missense variant.
Genome position (GRCh38, 1-based): chr15:63,733,081, C>A on the plus strand (G>T on the coding strand, the complement: HERC1 is on the minus strand). VCF-style: chr15-63733081-C-A. GRCh37 (hg19) VCF-style: chr15-64025280-C-A.
Other names: short protein forms G904V.
Identifiers: ClinVar variation 2574821 (VCV002574821.1), dbSNP rs1401169034, ClinGen allele CA392760891.

ClinVar aggregate classification (germline): Uncertain significance (1 of 4 stars; one submission).

Allele frequency attached by ClinVar (database versions not stated): TOPMed below 0.00001.

Submission:

GeneDx
Classification: Uncertain significance. Last evaluated: 2023-02-01. Review status: criteria provided, single submitter. Criteria: GeneDx Variant Classification Process June 2021. Collection method: clinical testing. Allele origin: germline. Affected: yes.
Comment: Not observed at significant frequency in large population cohorts (gnomAD); In silico analysis supports that this missense variant has a deleterious effect on protein structure/function; Has not been previously published as pathogenic or benign to our knowledge